The following is an entry in ClinVar:

ClinVar aggregate classification (germline): Uncertain significance (1 of 4 stars; one submission).

Submission:

GeneDx
Classification: Uncertain significance. Last evaluated: 2024-07-31. Review status: criteria provided, single submitter. Criteria: GeneDx Variant Classification Process June 2021. Collection method: clinical testing. Allele origin: germline. Affected: yes.
Comment: Not observed at significant frequency in large population cohorts (gnomAD); In silico analysis supports that this missense variant has a deleterious effect on protein structure/function; Has not been previously published as pathogenic or benign to our knowledge

NM_057175.5(NAA15):c.1514T>G (p.Leu505Arg)

Gene: NAA15 (N-alpha-acetyltransferase 15, NatA auxiliary subunit; plus strand). Cytogenetic location: 4q31.1.
Variant type: single nucleotide variant.
Coding change: c.1514T>G on transcript NM_057175.5 (MANE Select); coding-DNA position 1514, T replaced by G.
Protein change: p.Leu505Arg; replaces leucine 505 with arginine.
Molecular consequence: missense variant.
Genome position (GRCh38, 1-based): chr4:139,360,603, T>G. VCF-style: chr4-139360603-T-G. GRCh37 (hg19) VCF-style: chr4-140281757-T-G.
Other names: c.1514T>G, p.Leu505Arg (NM_001410842.1); short protein forms L505R.
Identifiers: ClinVar variation 3602380 (VCV003602380.1).